The following is an entry in ClinVar:

ClinVar aggregate classification (germline): Uncertain significance (1 of 4 stars; one submission).

Submission:

Dasa
Classification: Uncertain significance. Last evaluated: 2025-10-02. Review status: criteria provided, single submitter. Criteria: DASA Assertion Criteria. Collection method: clinical testing. Allele origin: germline.
Comment: NM_052867.4(NALCN):c.4873G>T (p.Ala1625Ser) is a missense variant that results in the substitution of alanine with serine. This variant is absent from population databases. Computational prediction algorithms are consistent with a benign effect. The currently available literature and clinical evidence are not sufficient to establish a definitive association between this variant and the reported condition. Therefore, this variant is classified as a variant of uncertain significance.

NM_052867.4(NALCN):c.4873G>T (p.Ala1625Ser)

Gene: NALCN (sodium leak channel, non-selective; minus strand). Cytogenetic location: 13q32.3.
Variant type: single nucleotide variant.
Coding change: c.4873G>T on transcript NM_052867.4 (MANE Select); coding-DNA position 4873, G replaced by T.
Protein change: p.Ala1625Ser; replaces alanine 1625 with serine.
Molecular consequence: missense variant.
Genome position (GRCh38, 1-based): chr13:101,059,850, C>A on the plus strand (G>T on the coding strand, the complement: NALCN is on the minus strand). VCF-style: chr13-101059850-C-A. GRCh37 (hg19) VCF-style: chr13-101712202-C-A.
Other names: c.4960G>T, p.Ala1654Ser (NM_001350748.2); c.4873G>T, p.Ala1625Ser (NM_001350749.2); c.4786G>T, p.Ala1596Ser (NM_001350750.2, NM_001350751.2); short protein forms A1596S, A1625S, A1654S.
Identifiers: ClinVar variation 4882886 (VCV004882886.2).